The following is an entry in ClinVar:

NM_001572.5(IRF7):c.1243G>A (p.Val415Met)

Gene: IRF7 (interferon regulatory factor 7; minus strand). Cytogenetic location: 11p15.5.
Variant type: single nucleotide variant.
Coding change: c.1243G>A on transcript NM_001572.5 (MANE Select); coding-DNA position 1243, G replaced by A.
Protein change: p.Val415Met; replaces valine 415 with methionine.
Molecular consequence: missense variant.
Genome position (GRCh38, 1-based): chr11:613,112, C>T on the plus strand (G>A on the coding strand, the complement: IRF7 is on the minus strand). VCF-style: chr11-613112-C-T. GRCh37 (hg19) VCF-style: chr11-613112-C-T.
Other names: c.1243G>A, p.Val415Met (LRG_1313t1); c.1156G>A, p.Val386Met (NM_004029.4); c.1282G>A, p.Val428Met (NM_004031.4); short protein forms V386M, V415M, V428M.
Identifiers: ClinVar variation 650234 (VCV000650234.8), dbSNP rs368955367, ClinGen allele CA5783521.

ClinVar aggregate classification (germline): Uncertain significance (1 of 4 stars; one submission).

Conditions:
Immunodeficiency 39 (IMD39). Identifiers: Orphanet 574918, MedGen C4225358, MONDO:0014597, OMIM 616345.

Allele frequency attached by ClinVar (database versions not stated): ExAC 0.00001; gnomAD exomes 0.00001 and 0.00002; ESP Exome Variant Server 0.00008.

Submission:

Labcorp Genetics (formerly Invitae), Labcorp
Classification: Uncertain significance for Immunodeficiency 39. Last evaluated: 2018-12-04. Review status: criteria provided, single submitter. Criteria: Invitae Variant Classification Sherloc (09022015). Collection method: clinical testing. Allele origin: germline.
Comment: This variant is present in population databases (rs368955367, ExAC 0.002%). This variant has not been reported in the literature in individuals with IRF7-related conditions. Algorithms developed to predict the effect of missense changes on protein structure and function output the following: SIFT: "Tolerated"; PolyPhen-2: "Benign"; Align-GVGD: "Class C0". The methionine amino acid residue is found in multiple mammalian species, suggesting that this missense change does not adversely affect protein function. These predictions have not been confirmed by published functional studies and their clinical significance is uncertain. In summary, the available evidence is currently insufficient to determine the role of this variant in disease. Therefore, it has been classified as a Variant of Uncertain Significance. This sequence change replaces valine with methionine at codon 428 of the IRF7 protein (p.Val428Met). The valine residue is weakly conserved and there is a small physicochemical difference between valine and methionine.